The following is an entry in ClinVar:

NM_007294.4(BRCA1):c.1885A>T (p.Arg629Ter)

Gene: BRCA1 (BRCA1 DNA repair associated; minus strand). Cytogenetic location: 17q21.31.
Variant type: single nucleotide variant.
Coding change: c.1885A>T on transcript NM_007294.4 (MANE Select); coding-DNA position 1885, A replaced by T.
Protein change: p.Arg629Ter; replaces arginine 629 with a stop codon.
Molecular consequence: nonsense. On other transcripts: intron variant (137).
Genome position (GRCh38, 1-based): chr17:43,093,646, T>A on the plus strand (A>T on the coding strand, the complement: BRCA1 is on the minus strand). VCF-style: chr17-43093646-T-A. GRCh37 (hg19) VCF-style: chr17-41245663-T-A.
Other names: c.1672A>T, p.Arg558Ter (NM_001407571.1, NM_001407853.1, NM_001407894.1 and 9 more transcripts); c.1885A>T, p.Arg629Ter (NM_001407581.1, NM_001407582.1, NM_001407583.1 and 30 more transcripts); c.1882A>T, p.Arg628Ter (NM_001407587.1, NM_001407590.1, NM_001407591.1 and 22 more transcripts); c.1876A>T, p.Arg626Ter (NM_001407646.1, NM_001407647.1); c.1762A>T, p.Arg588Ter (NM_001407648.1, NM_001407664.1, NM_001407665.1 and 19 more transcripts); c.1804A>T, p.Arg602Ter (NM_001407661.1, NM_001407662.1, NM_001407659.1 and 1 more transcripts); c.1807A>T, p.Arg603Ter (NM_001407663.1, NM_001407653.1, NM_001407654.1 and 4 more transcripts); c.1759A>T, p.Arg587Ter (NM_001407685.1, NM_001407686.1, NM_001407687.1 and 11 more transcripts); and 40 more; short protein forms R629*, R582*, R501*, R502*, R518*, R581*, R517*, R541*.
Identifiers: ClinVar variation 548273 (VCV000548273.2), dbSNP rs1555590987, ClinGen allele CA10598251.

ClinVar aggregate classification (germline): Pathogenic (3 of 4 stars; one submission).

Conditions:
Breast-ovarian cancer, familial, susceptibility to, 1 (BROVCA1). Also called: BRCA1 Hereditary Breast and Ovarian Cancer; OVARIAN CANCER, SUSCEPTIBILITY TO. Identifiers: Orphanet 145, MedGen C2676676, MONDO:0011450, OMIM 604370. Disease mechanism: loss of function.

Submission:

Evidence-based Network for the Interpretation of Germline Mutant Alleles (ENIGMA)
Classification: Pathogenic for Breast-ovarian cancer, familial, susceptibility to, 1. Last evaluated: 2017-12-15. Review status: reviewed by expert panel. Criteria: ENIGMA BRCA1/2 Classification Criteria (2017-06-29). Collection method: curation. Allele origin: germline. Study: ENIGMA.
Comment: Variant allele predicted to encode a truncated non-functional protein.